The following is an entry in ClinVar:

ClinVar aggregate classification (germline): Uncertain significance (1 of 4 stars; one submission).

Submission:

Dasa
Classification: Uncertain significance. Last evaluated: 2025-06-30. Review status: criteria provided, single submitter. Criteria: DASA Assertion Criteria. Collection method: clinical testing. Allele origin: germline.
Comment: NM_003922.4(HERC1):c.5440G>A (p.Ala1814Thr) is a missense variant that results in the substitution of alanine with threonine. This variant is rare in population databases. Computational prediction algorithms are consistent with a benign effect. The currently available literature and clinical evidence are not sufficient to establish a definitive association between this variant and the reported condition. Therefore, this variant is classified as a variant of uncertain significance.

NM_003922.4(HERC1):c.5440G>A (p.Ala1814Thr)

Gene: HERC1 (HECT and RLD domain containing E3 ubiquitin protein ligase family member 1; minus strand). Cytogenetic location: 15q22.31.
Variant type: single nucleotide variant.
Coding change: c.5440G>A on transcript NM_003922.4 (MANE Select); coding-DNA position 5440, G replaced by A.
Protein change: p.Ala1814Thr; replaces alanine 1814 with threonine.
Molecular consequence: missense variant.
Genome position (GRCh38, 1-based): chr15:63,694,352, C>T on the plus strand (G>A on the coding strand, the complement: HERC1 is on the minus strand). VCF-style: chr15-63694352-C-T. GRCh37 (hg19) VCF-style: chr15-63986551-C-T.
Other names: short protein forms A1814T.
Identifiers: ClinVar variation 4883067 (VCV004883067.2).